The following is an entry in ClinVar:

ClinVar aggregate classification (germline): Uncertain significance (1 of 4 stars; one submission).

Submission:

Labcorp Genetics (formerly Invitae), Labcorp
Classification: Uncertain significance. Last evaluated: 2024-08-05. Review status: criteria provided, single submitter. Criteria: Invitae Variant Classification Sherloc (09022015). Collection method: clinical testing. Allele origin: germline.
Comment: This sequence change replaces cysteine, which is neutral and slightly polar, with tyrosine, which is neutral and polar, at codon 81 of the ZMIZ1 protein (p.Cys81Tyr). This variant is not present in population databases (gnomAD no frequency). This variant has not been reported in the literature in individuals affected with ZMIZ1-related conditions. An algorithm developed to predict the effect of missense changes on protein structure and function (PolyPhen-2) suggests that this variant is likely to be disruptive. In summary, the available evidence is currently insufficient to determine the role of this variant in disease. Therefore, it has been classified as a Variant of Uncertain Significance.

NM_020338.4(ZMIZ1):c.242G>A (p.Cys81Tyr)

Gene: ZMIZ1 (zinc finger MIZ-type containing 1; plus strand). Cytogenetic location: 10q22.3.
Variant type: single nucleotide variant.
Coding change: c.242G>A on transcript NM_020338.4 (MANE Select); coding-DNA position 242, G replaced by A.
Protein change: p.Cys81Tyr; replaces cysteine 81 with tyrosine.
Molecular consequence: missense variant.
Genome position (GRCh38, 1-based): chr10:79,216,236, G>A. VCF-style: chr10-79216236-G-A. GRCh37 (hg19) VCF-style: chr10-80975993-G-A.
Other names: short protein forms C81Y.
Identifiers: ClinVar variation 3660329 (VCV003660329.2).